The following is an entry in ClinVar:

ClinVar aggregate classification (germline): Benign/Likely benign. Review status: criteria provided, multiple submitters, no conflicts (2 of 4 stars). 3 submissions from 3 submitters: Benign (1); Likely benign (1). 1 of the submissions does not count toward it. Last evaluated 2026-03-09.

Conditions:
Usher syndrome type 1C. Also called: USHER SYNDROME, TYPE I, ACADIAN VARIETY. Identifiers: Orphanet 231169, Orphanet 886, MedGen C1848604, MONDO:0010171, OMIM 276904.
USH1C-related disorder. Also called: USH1C-related condition.

Allele frequency attached by ClinVar (database versions not stated): gnomAD 0.00006; TOPMed 0.00010; gnomAD exomes 0.00018; ExAC 0.00020.
gnomAD v4.1: 63 of 1,613,572 alleles (0.0039%); highest among the groups gnomAD compares: East Asian, 0.11%; 1 homozygote.

Submissions (3):

PreventionGenetics, part of Exact Sciences
Classification: Likely benign for USH1C-related condition. Last evaluated: 2026-03-09. Review status: criteria provided, single submitter. Criteria: ACMG Guidelines, 2015. Collection method: clinical testing. Allele origin: germline.
Comment: This variant is classified as likely benign based on ACMG/AMP sequence variant interpretation guidelines (Richards et al. 2015 PMID: 25741868, with internal and published modifications).

Labcorp Genetics (formerly Invitae), Labcorp
Classification: Benign. Last evaluated: 2025-06-23. Review status: criteria provided, single submitter. Criteria: Invitae Variant Classification Sherloc (09022015). Collection method: clinical testing. Allele origin: germline.

Natera, Inc.
Classification: Likely benign for Usher syndrome type 1C. Last evaluated: 2020-03-05. Review status: no assertion criteria provided. Collection method: clinical testing. Allele origin: germline. Not counted in ClinVar's aggregate classification.

NM_153676.4(USH1C):c.2373G>A (p.Glu791=)

Gene: USH1C (USH1 protein network component harmonin; minus strand). Cytogenetic location: 11p15.1.
Variant type: single nucleotide variant.
Coding change: c.2373G>A on transcript NM_153676.4 (MANE Select); coding-DNA position 2373, G replaced by A.
Protein change: p.Glu791=; no amino-acid change (glutamic acid 791 retained).
Molecular consequence: synonymous variant. On other transcripts: non-coding transcript variant (1).
Genome position (GRCh38, 1-based): chr11:17,501,058, C>T on the plus strand (G>A on the coding strand, the complement: USH1C is on the minus strand). VCF-style: chr11-17501058-C-T. GRCh37 (hg19) VCF-style: chr11-17522605-C-T.
Other names: c.2373G>A (NM_153676.3); c.1416G>A, p.Glu472= (NM_001297764.2); c.1473G>A, p.Glu491= (NM_005709.4).
Identifiers: ClinVar variation 761650 (VCV000761650.11), dbSNP rs746011575, ClinGen allele CA5904205.